The following is an entry in ClinVar:

NM_000543.5(SMPD1):c.1347_1348delinsATGTAGT (p.Asn450fs)

Gene: SMPD1 (sphingomyelin phosphodiesterase 1; plus strand). Cytogenetic location: 11p15.4.
Variant type: Indel.
Coding change: c.1347_1348delinsATGTAGT on transcript NM_000543.5 (MANE Select); coding-DNA positions 1347 to 1348, GA replaced by ATGTAGT.
Protein change: p.Asn450fs; shifts the reading frame from asparagine 450.
Molecular consequence: frameshift variant. On other transcripts: non-coding transcript variant (2).
Genome position (GRCh38, 1-based): chr11:6,393,902-6,393,903, GA replaced by ATGTAGT. VCF-style: chr11-6393902-GA-ATGTAGT. GRCh37 (hg19) VCF-style: chr11-6415132-GA-ATGTAGT.
Other names: c.1344_1345delinsATGTAGT, p.Asn449fs (NM_001007593.3); c.1347_1348delinsATGTAGT, p.Asn450fs (NM_001318087.2); c.426_427delinsATGTAGT, p.Asn143fs (NM_001318088.2); c.1215_1216delinsATGTAGT, p.Asn406fs (NM_001365135.2); short protein forms N406fs, N449fs, N450fs, N143fs.
Identifiers: ClinVar variation 4994749 (VCV004994749.1).

ClinVar aggregate classification (germline): Likely pathogenic (1 of 4 stars; one submission).

Conditions:
SMPD1-related disorder. Also called: SMPD1-related condition.

Submission:

PreventionGenetics, part of Exact Sciences
Classification: Likely pathogenic for SMPD1-related condition. Last evaluated: 2025-08-19. Review status: criteria provided, single submitter. Criteria: ACMG Guidelines, 2015. Collection method: clinical testing. Allele origin: germline.
Comment: The SMPD1 c.1347_1348delinsATGTAGT variant is predicted to result in a frameshift and premature protein termination (p.Asn450Cysfs*27). To our knowledge, this variant has not been reported in the literature or in a large population database (gnomAD), indicating this variant is rare. Frameshift variants in SMPD1 are expected to be pathogenic. This variant is interpreted as likely pathogenic.